The following is an entry in ClinVar:

NM_001009999.3(KDM1A):c.22G>A (p.Ala8Thr)

Gene: KDM1A (lysine demethylase 1A; plus strand). Cytogenetic location: 1p36.12.
Variant type: single nucleotide variant.
Coding change: c.22G>A on transcript NM_001009999.3 (MANE Select); coding-DNA position 22, G replaced by A.
Protein change: p.Ala8Thr; replaces alanine 8 with threonine.
Molecular consequence: missense variant.
Genome position (GRCh38, 1-based): chr1:23,019,618, G>A. VCF-style: chr1-23019618-G-A. GRCh37 (hg19) VCF-style: chr1-23346111-G-A.
Other names: c.22G>A, p.Ala8Thr (NM_001363654.2, NM_001410762.1, NM_001410763.1 and 1 more transcripts); short protein forms A8T.
Identifiers: ClinVar variation 4042178 (VCV004042178.1).

ClinVar aggregate classification (germline): Uncertain significance (1 of 4 stars; one submission).

Conditions:
Inborn genetic diseases. Identifiers: MedGen C0950123, MeSH D030342.

gnomAD v4.1: 1 of 1,422,010 alleles (0.00007%); highest among the groups gnomAD compares: Middle Eastern, 0.026%; no homozygotes.

Submission:

Ambry Genetics
Classification: Uncertain significance for Inborn genetic diseases. Last evaluated: 2025-06-06. Review status: criteria provided, single submitter. Criteria: Ambry Variant Classification Scheme 2023. Collection method: clinical testing. Allele origin: germline.
Comment: The p.A8T variant (also known as c.22G>A), located in coding exon 1 of the KDM1A gene, results from a G to A substitution at nucleotide position 22. The alanine at codon 8 is replaced by threonine, an amino acid with similar properties. This amino acid position is conserved. In addition, this alteration is predicted to be tolerated by in silico analysis. Based on the available evidence, the clinical significance of this variant remains unclear.